The following is an entry in ClinVar:

ClinVar aggregate classification (germline): Uncertain significance (1 of 4 stars; one submission).

Conditions:
Nephrolithiasis/nephrocalcinosis. Identifiers: MedGen CN580796.

Submission:

Ambry Genetics
Classification: Uncertain significance for Nephrolithiasis/nephrocalcinosis. Last evaluated: 2023-04-05. Review status: criteria provided, single submitter. Criteria: Ambry Variant Classification Scheme 2023. Collection method: clinical testing. Allele origin: germline.
Comment: The p.L696M variant (also known as c.2086C>A), located in coding exon 6 of the CASR gene, results from a C to A substitution at nucleotide position 2086. The leucine at codon 696 is replaced by methionine, an amino acid with highly similar properties. This amino acid position is conserved. In addition, this alteration is predicted to be deleterious by in silico analysis. Since supporting evidence is limited at this time, the clinical significance of this alteration remains unclear.

NM_000388.4(CASR):c.2086C>A (p.Leu696Met)

Gene: CASR (calcium sensing receptor; plus strand). Cytogenetic location: 3q21.1.
Variant type: single nucleotide variant.
Coding change: c.2086C>A on transcript NM_000388.4 (MANE Select); coding-DNA position 2086, C replaced by A.
Protein change: p.Leu696Met; replaces leucine 696 with methionine.
Molecular consequence: missense variant.
Genome position (GRCh38, 1-based): chr3:122,284,040, C>A. VCF-style: chr3-122284040-C-A. GRCh37 (hg19) VCF-style: chr3-122002887-C-A.
Other names: c.2116C>A, p.Leu706Met (NM_001178065.2); short protein forms L696M, L706M.
Identifiers: ClinVar variation 3231526 (VCV003231526.1), dbSNP rs2473277852, ClinGen allele CA354158469.